The following is an entry in ClinVar:

NM_003611.3(OFD1):c.1800A>G (p.Leu600=)

Gene: OFD1 (OFD1 centriole and centriolar satellite protein; plus strand). Cytogenetic location: Xp22.2.
Variant type: single nucleotide variant.
Coding change: c.1800A>G on transcript NM_003611.3 (MANE Select); coding-DNA position 1800, A replaced by G.
Protein change: p.Leu600=; no amino-acid change (leucine 600 retained).
Molecular consequence: synonymous variant.
Genome position (GRCh38, 1-based): chrX:13,760,260, A>G. VCF-style: chrX-13760260-A-G. GRCh37 (hg19) VCF-style: chrX-13778379-A-G.
Other names: c.1680A>G, p.Leu560= (NM_001330209.2); c.1380A>G, p.Leu460= (NM_001330210.2).
Identifiers: ClinVar variation 2928447 (VCV002928447.11), dbSNP rs2047876255, ClinGen allele CA515623652.

ClinVar aggregate classification (germline): Likely benign. Review status: criteria provided, multiple submitters, no conflicts (2 of 4 stars). 2 submissions from 2 submitters: Likely benign (2). Last evaluated 2025-07-01.

Conditions:
Joubert syndrome. Also called: JOUBERT-BOLTSHAUSER SYNDROME; Familial aplasia of the vermis. Identifiers: Orphanet 475, MedGen C5979921, MONDO:0018772.
Orofaciodigital syndrome I (OFD1). Also called: OFDS I; Papillon-Leage and Psaume Syndrome; Oral-Facial-Digital Syndrome Type I. Identifiers: Orphanet 2750, MedGen C1510460, MONDO:0010702, OMIM 311200.

Allele frequency attached by ClinVar (database versions not stated): TOPMed below 0.00001; gnomAD 0.00001.

Submissions (2):

CeGaT Center for Human Genetics Tuebingen
Classification: Likely benign. Last evaluated: 2025-07-01. Review status: criteria provided, single submitter. Criteria: CeGaT Center For Human Genetics Tuebingen Variant Classification Criteria Version 2. Collection method: clinical testing. Allele origin: germline. Affected: yes. Observed: 1 variant allele.
Comment: OFD1: BP4, BP7

Labcorp Genetics (formerly Invitae), Labcorp
Classification: Likely benign for Orofaciodigital syndrome I; Joubert syndrome. Last evaluated: 2024-01-03. Review status: criteria provided, single submitter. Criteria: Invitae Variant Classification Sherloc (09022015). Collection method: clinical testing. Allele origin: germline.